The following is an entry in ClinVar:

NM_000391.4(TPP1):c.1012C>G (p.Gln338Glu)

Gene: TPP1 (tripeptidyl peptidase 1; minus strand). Cytogenetic location: 11p15.4.
Variant type: single nucleotide variant.
Coding change: c.1012C>G on transcript NM_000391.4 (MANE Select); coding-DNA position 1012, C replaced by G.
Protein change: p.Gln338Glu; replaces glutamine 338 with glutamic acid.
Molecular consequence: missense variant.
Genome position (GRCh38, 1-based): chr11:6,616,378, G>C on the plus strand (C>G on the coding strand, the complement: TPP1 is on the minus strand). VCF-style: chr11-6616378-G-C. GRCh37 (hg19) VCF-style: chr11-6637609-G-C.
Other names: short protein forms Q338E.
Identifiers: ClinVar variation 1805012 (VCV001805012.4), dbSNP rs2493798203, ClinGen allele CA379474161.
Genomic context (GRCh38, chr11:6,616,378, plus strand): 5'-AGGCGAAGAGCAGGGTGAGACCCCGAGCGGCAGCCTTCATGAGCTCAGTGTTGACCCGCT[G>C]GATGTAGGCGCTGCTGAGGGAGTCCTCATCATCTCCATAGCTCACAGTATGCACATGTGG-3'
Protein context (NP_000382.3, residues 328-348): DEDSLSSAYI[Gln338Glu]RVNTELMKAA

ClinVar aggregate classification (germline): Pathogenic/Likely pathogenic. Review status: criteria provided, multiple submitters, no conflicts (2 of 4 stars). 2 submissions from 2 submitters: Pathogenic (1); Likely pathogenic (1). Last evaluated 2025-12-09.

Conditions:
Neuronal ceroid lipofuscinosis 2. Also called: JANSKY-BIELSCHOWSKY DISEASE NEURONAL CEROID LIPOFUSCINOSIS, LATE INFANTILE; TPP1-Related Neuronal Ceroid-Lipofuscinosis. Identifiers: Orphanet 168491, Orphanet 228349, Orphanet 79264, MedGen C1876161, MONDO:0008769, OMIM 204500.

Submissions (2):

Labcorp Genetics (formerly Invitae), Labcorp
Classification: Likely pathogenic. Last evaluated: 2025-12-09. Review status: criteria provided, single submitter. Criteria: Invitae Variant Classification Sherloc (09022015). Collection method: clinical testing. Allele origin: germline.
Comment: This sequence change replaces glutamine, which is neutral and polar, with glutamic acid, which is acidic and polar, at codon 338 of the TPP1 protein (p.Gln338Glu). RNA analysis indicates that this missense change induces altered splicing and likely results in a shortened protein product. This variant is not present in population databases (gnomAD no frequency). This missense change has been observed in individual(s) with clinical features of TTP1-related conditions (PMID: 34126256). ClinVar contains an entry for this variant (Variation ID: 1805012). Invitae Evidence Modeling of protein sequence and biophysical properties (such as structural, functional, and spatial information, amino acid conservation, physicochemical variation, residue mobility, and thermodynamic stability) indicates that this missense variant is not expected to disrupt TPP1 protein function with a negative predictive value of 95%. Studies have shown that this missense change results in skipping of exon 8, but is expected to preserve the integrity of the reading-frame (PMID: 34126256). In summary, the currently available evidence indicates that the variant is pathogenic, but additional data are needed to prove that conclusively. Therefore, this variant has been classified as Likely Pathogenic.

Victorian Clinical Genetics Services, Murdoch Childrens Research Institute
Classification: Pathogenic for Neuronal ceroid lipofuscinosis 2. Last evaluated: 2022-06-24. Review status: criteria provided, single submitter. Criteria: ACMG Guidelines, 2015. Collection method: clinical testing. Allele origin: germline. Inheritance: Autosomal recessive inheritance. Affected: yes.
Comment: Based on the classification scheme VCGS_Germline_v1.3.4, this variant is classified as Pathogenic. Following criteria are met: 0102 - Loss of function is a known mechanism of disease in this gene and is associated with neuronal ceroid lipofuscinosis, 2 (MIM#204500), and spinocerebellar ataxia, autosomal recessive 7 (MIM#609270). (I) 0106 - This gene is associated with autosomal recessive disease. (I) 0210 - Splice site variant proven to affect splicing of the transcript with a known effect on protein sequence. This is a missense variant that has been functionally proven to have an effect on splicing. RNA studies have proven that this variant causes two protein outcomes; exon 7-8 skipping (out-of-frame, p.(Phe230Valfs*68)) or exon 8 skipping (inframe, p.(Arg297_Gly359del)), where the latter is the predominantly expressed isoform. There is some residual wildtype transcript, but this is at very low levels (<10%) (PMID: 34126256). (SP) 0251 - This variant is heterozygous. (I) 0301 - Variant is absent from gnomAD (both v2 and v3). (SP) 0601 - Variant results in the loss of multiple active sites within the annotated peptidase S53 domain (Uniprot, NCBI). (SP) 0702 - Other inframe deletions and missense variants contained within exon 8 have strong previous evidence for pathogenicity. These variants have been reported in multiple patients and have been described as pathogenic (ClinVar, Decipher, NCL Disease Database (UCL)). (SP) 0807 - This variant has no previous evidence of pathogenicity. (I) 0905 - No published segregation evidence has been identified for this variant. (I) 1007 - No published functional evidence has been identified for this variant. (I) 1102 - Strong phenotype match for this individual. (SP) 1201 - Heterozygous variant detected in trans with a second pathogenic heterozygous variant (p.(Tyr76Lysfs*10) in a recessive disease. (I) Legend: (SP) - Supporting pathogenic, (I) - Information, (SB) - Supporting benign

Literature cited by the submitters: PubMed 34126256 (cited by Labcorp Genetics (formerly Invitae), Labcorp and Victorian Clinical Genetics Services, Murdoch Childrens Research Institute).